The following is an entry in ClinVar:

NM_001032283.3(TMPO):c.482C>T (p.Pro161Leu)

Gene: TMPO (thymopoietin; plus strand). Cytogenetic location: 12q23.1.
Variant type: single nucleotide variant.
Coding change: c.482C>T on transcript NM_001032283.3 (MANE Select); coding-DNA position 482, C replaced by T.
Protein change: p.Pro161Leu; replaces proline 161 with leucine.
Molecular consequence: missense variant.
Genome position (GRCh38, 1-based): chr12:98,531,755, C>T. VCF-style: chr12-98531755-C-T. GRCh37 (hg19) VCF-style: chr12-98925533-C-T.
Other names: c.482C>T, p.Pro161Leu (NM_001032284.3, NM_001307975.2, NM_003276.2); short protein forms P161L.
Identifiers: ClinVar variation 1062151 (VCV001062151.9), dbSNP rs1877210566, ClinGen allele CA386151140.

ClinVar aggregate classification (germline): Uncertain significance (1 of 4 stars; one submission).

Conditions:
Loeys-Dietz syndrome 2 (LDS2). Also called: TGFBR2-Related Loeys-Dietz Syndrome; Marfan Syndrome type 2; Marfan like connective tissue disorder; MFS 2; Marfan syndrome, type 2 (formerly); AORTIC ANEURYSM, FAMILIAL THORACIC 3. Identifiers: Orphanet 284973, Orphanet 558, MedGen C2674574, MONDO:0012427, OMIM 610168.

Allele frequency attached by ClinVar (database versions not stated): gnomAD exomes below 0.00001.
gnomAD v4.1: 2 of 1,613,718 alleles (0.00012%); highest among the groups gnomAD compares: Non-Finnish European, 0.00017%; no homozygotes.

Submission:

Labcorp Genetics (formerly Invitae), Labcorp
Classification: Uncertain significance for Loeys-Dietz syndrome 2. Last evaluated: 2020-10-09. Review status: criteria provided, single submitter. Criteria: Invitae Variant Classification Sherloc (09022015). Collection method: clinical testing. Allele origin: germline.
Comment: In summary, the available evidence is currently insufficient to determine the role of this variant in disease. Therefore, it has been classified as a Variant of Uncertain Significance. Algorithms developed to predict the effect of missense changes on protein structure and function are either unavailable or do not agree on the potential impact of this missense change (SIFT: "Deleterious"; PolyPhen-2: "Benign"; Align-GVGD: "Class C0"). This variant has not been reported in the literature in individuals with TMPO-related conditions. This variant is not present in population databases (ExAC no frequency). This sequence change replaces proline with leucine at codon 161 of the TMPO protein (p.Pro161Leu). The proline residue is highly conserved and there is a moderate physicochemical difference between proline and leucine.